The following is an entry in ClinVar:

NM_138713.4(NFAT5):c.3035G>A (p.Gly1012Glu)

Gene: NFAT5 (nuclear factor of activated T cells 5; plus strand). Cytogenetic location: 16q22.1.
Variant type: single nucleotide variant.
Coding change: c.3035G>A on transcript NM_138713.4 (MANE Select); coding-DNA position 3035, G replaced by A.
Protein change: p.Gly1012Glu; replaces glycine 1012 with glutamic acid.
Molecular consequence: missense variant.
Genome position (GRCh38, 1-based): chr16:69,692,860, G>A. VCF-style: chr16-69692860-G-A. GRCh37 (hg19) VCF-style: chr16-69726763-G-A.
Other names: c.3032G>A, p.Gly1011Glu (NM_001113178.3); c.2360G>A, p.Gly787Glu (NM_001367709.1); c.2981G>A, p.Gly994Glu (NM_006599.4); c.2753G>A, p.Gly918Glu (NM_138714.4, NM_173214.3, NM_173215.3); short protein forms G1012E, G918E, G994E, G787E, G1011E.
Identifiers: ClinVar variation 1401876 (VCV001401876.8), dbSNP rs2151720658, ClinGen allele CA396512097.

ClinVar aggregate classification (germline): Uncertain significance (1 of 4 stars; one submission).

Conditions:
Immunodeficiency. Identifiers: MedGen C0021051, MONDO:0021094, HP:0002721.

Submission:

Labcorp Genetics (formerly Invitae), Labcorp
Classification: Uncertain significance for Immunodeficiency. Last evaluated: 2024-09-13. Review status: criteria provided, single submitter. Criteria: Invitae Variant Classification Sherloc (09022015). Collection method: clinical testing. Allele origin: germline.
Comment: This sequence change replaces glycine, which is neutral and non-polar, with glutamic acid, which is acidic and polar, at codon 918 of the NFAT5 protein (p.Gly918Glu). This variant is not present in population databases (gnomAD no frequency). This variant has not been reported in the literature in individuals affected with NFAT5-related conditions. ClinVar contains an entry for this variant (Variation ID: 1401876). An algorithm developed to predict the effect of missense changes on protein structure and function (PolyPhen-2) suggests that this variant is likely to be tolerated. In summary, the available evidence is currently insufficient to determine the role of this variant in disease. Therefore, it has been classified as a Variant of Uncertain Significance.